The following is an entry in ClinVar:

ClinVar aggregate classification (germline): Likely benign. Review status: criteria provided, single submitter (1 of 4 stars). 2 submissions from 2 submitters: Likely benign (1). 1 of the submissions does not count toward it. Last evaluated 2025-02-06.

Conditions:
MC3R-related disorder. Also called: MC3R-related condition.

Allele frequency attached by ClinVar (database versions not stated): ExAC 0.00001; gnomAD 0.00001; gnomAD exomes 0.00001.

Submissions (2):

Labcorp Genetics (formerly Invitae), Labcorp
Classification: Likely benign. Last evaluated: 2025-02-06. Review status: criteria provided, single submitter. Criteria: Invitae Variant Classification Sherloc (09022015). Collection method: clinical testing. Allele origin: germline.

PreventionGenetics, part of Exact Sciences
Classification: Likely benign for MC3R-related condition. Last evaluated: 2022-02-11. Review status: no assertion criteria provided. Collection method: clinical testing. Allele origin: germline. Not counted in ClinVar's aggregate classification.
Comment: This variant is classified as likely benign based on ACMG/AMP sequence variant interpretation guidelines (Richards et al. 2015 PMID: 25741868, with internal and published modifications).

NM_019888.3(MC3R):c.360C>T (p.Phe120=)

Gene: MC3R (melanocortin 3 receptor; plus strand). Cytogenetic location: 20q13.2.
Variant type: single nucleotide variant.
Coding change: c.360C>T on transcript NM_019888.3 (MANE Select); coding-DNA position 360, C replaced by T.
Protein change: p.Phe120=; no amino-acid change (phenylalanine 120 retained).
Molecular consequence: synonymous variant.
Genome position (GRCh38, 1-based): chr20:56,249,203, C>T. VCF-style: chr20-56249203-C-T. GRCh37 (hg19) VCF-style: chr20-54824259-C-T.
Identifiers: ClinVar variation 2901562 (VCV002901562.4), dbSNP rs756752693, ClinGen allele CA9916982.